The following is an entry in ClinVar:

ClinVar aggregate classification (germline): Uncertain significance. Review status: criteria provided, multiple submitters, no conflicts (2 of 4 stars). 2 submissions from 2 submitters: Uncertain significance (2). Last evaluated 2024-07-29.

Conditions:
Congenital adrenal hyperplasia due to cytochrome P450 oxidoreductase deficiency. Also called: DISORDERED STEROIDOGENESIS DUE TO POR DEFICIENCY. Identifiers: Orphanet 95699, MedGen C1860042, MONDO:0013310, OMIM 613571.

Allele frequency attached by ClinVar (database versions not stated): gnomAD exomes 0.00002; gnomAD 0.00004; TOPMed 0.00006.
gnomAD v4.1: 34 of 1,551,926 alleles (0.0022%); highest among the groups gnomAD compares: African/African-American, 0.0068%; no homozygotes.

Submissions (2):

Blueprint Genetics
Classification: Uncertain significance. Last evaluated: 2024-07-29. Review status: criteria provided, single submitter. Criteria: ACMG Guidelines, 2015. Collection method: clinical testing. Allele origin: germline.

Labcorp Genetics (formerly Invitae), Labcorp
Classification: Uncertain significance for Congenital adrenal hyperplasia due to cytochrome P450 oxidoreductase deficiency. Last evaluated: 2022-08-23. Review status: criteria provided, single submitter. Criteria: Invitae Variant Classification Sherloc (09022015). Collection method: clinical testing. Allele origin: germline.
Comment: This sequence change replaces arginine, which is basic and polar, with glutamine, which is neutral and polar, at codon 550 of the POR protein (p.Arg550Gln). The frequency data for this variant in the population databases is considered unreliable, as metrics indicate poor data quality at this position in the gnomAD database. This variant has not been reported in the literature in individuals affected with POR-related conditions. ClinVar contains an entry for this variant (Variation ID: 1465008). Algorithms developed to predict the effect of missense changes on protein structure and function (SIFT, PolyPhen-2, Align-GVGD) all suggest that this variant is likely to be disruptive. In summary, the available evidence is currently insufficient to determine the role of this variant in disease. Therefore, it has been classified as a Variant of Uncertain Significance.

NM_001395413.1(POR):c.1640G>A (p.Arg547Gln)

Gene: POR (cytochrome p450 oxidoreductase; plus strand). Cytogenetic location: 7q11.23.
Variant type: single nucleotide variant.
Coding change: c.1640G>A on transcript NM_001395413.1 (MANE Select); coding-DNA position 1640, G replaced by A.
Protein change: p.Arg547Gln; replaces arginine 547 with glutamine.
Molecular consequence: missense variant.
Genome position (GRCh38, 1-based): chr7:75,985,829, G>A. VCF-style: chr7-75985829-G-A. GRCh37 (hg19) VCF-style: chr7-75615147-G-A.
Other names: c.1640G>A, p.Arg547Gln (NM_001367562.3, NM_001382657.2, NM_001382658.3 and 1 more transcripts); c.1694G>A, p.Arg565Gln (NM_001382655.3); c.1490G>A, p.Arg497Gln (NM_001382662.3); short protein forms R497Q, R547Q, R565Q.
Identifiers: ClinVar variation 1465008 (VCV001465008.7), dbSNP rs1320059073, ClinGen allele CA367750376.